The following is an entry in ClinVar:

NM_006096.4(NDRG1):c.656T>A (p.Met219Lys)

Gene: NDRG1 (N-myc downstream regulated 1; minus strand). Cytogenetic location: 8q24.22.
Variant type: single nucleotide variant.
Coding change: c.656T>A on transcript NM_006096.4 (MANE Select); coding-DNA position 656, T replaced by A.
Protein change: p.Met219Lys; replaces methionine 219 with lysine.
Molecular consequence: missense variant.
Genome position (GRCh38, 1-based): chr8:133,250,482, A>T on the plus strand (T>A on the coding strand, the complement: NDRG1 is on the minus strand). VCF-style: chr8-133250482-A-T. GRCh37 (hg19) VCF-style: chr8-134262725-A-T.
Other names: c.656T>A, p.Met219Lys (NM_001135242.2, NM_001374845.1, NM_001374846.1); c.458T>A, p.Met153Lys (NM_001258432.2, NM_001374847.1); c.413T>A, p.Met138Lys (NM_001258433.2); c.707T>A, p.Met236Lys (NM_001374844.1); short protein forms M138K, M219K, M153K, M236K.
Identifiers: ClinVar variation 652002 (VCV000652002.4), dbSNP rs147184316, ClinGen allele CA186372346.

ClinVar aggregate classification (germline): Uncertain significance (1 of 4 stars; one submission).

Conditions:
Charcot-Marie-Tooth disease type 4. Also called: Charcot-Marie-Tooth disease, type IV; Charcot-Marie-Tooth, Type 4. Identifiers: Orphanet 64749, MedGen C4082197, MONDO:0018995.

Allele frequency attached by ClinVar (database versions not stated): gnomAD exomes below 0.00001; TOPMed 0.00001; ESP Exome Variant Server 0.00008; gnomAD 0.00001.
gnomAD v4.1: 3 of 1,614,008 alleles (0.00019%); highest among the groups gnomAD compares: Non-Finnish European, 0.00025%; no homozygotes.

Submission:

Labcorp Genetics (formerly Invitae), Labcorp
Classification: Uncertain significance for Charcot-Marie-Tooth disease type 4. Last evaluated: 2022-08-23. Review status: criteria provided, single submitter. Criteria: Invitae Variant Classification Sherloc (09022015). Collection method: clinical testing. Allele origin: germline.
Comment: This sequence change replaces methionine, which is neutral and non-polar, with lysine, which is basic and polar, at codon 219 of the NDRG1 protein (p.Met219Lys). This variant is present in population databases (rs147184316, gnomAD 0.0009%). This variant has not been reported in the literature in individuals affected with NDRG1-related conditions. ClinVar contains an entry for this variant (Variation ID: 652002). Algorithms developed to predict the effect of missense changes on protein structure and function are either unavailable or do not agree on the potential impact of this missense change (SIFT: "Deleterious"; PolyPhen-2: "Benign"; Align-GVGD: "Class C55"). In summary, the available evidence is currently insufficient to determine the role of this variant in disease. Therefore, it has been classified as a Variant of Uncertain Significance.